The following is an entry in ClinVar:

ClinVar aggregate classification (germline): Likely pathogenic (1 of 4 stars; one submission).

Conditions:
Propionic acidemia (PROP). Also called: GLYCINEMIA, KETOTIC; HYPERGLYCINEMIA WITH KETOACIDOSIS AND LEUKOPENIA; KETOTIC HYPERGLYCINEMIA. Identifiers: Orphanet 35, MedGen C0268579, MONDO:0011628, OMIM 606054, HP:0003571.

Submission:

Natera, Inc.
Classification: Likely pathogenic for Propionic acidemia. Last evaluated: 2024-06-10. Review status: criteria provided, single submitter. Criteria: Natera Variant Classification Schema (03/2026). Collection method: clinical testing. Allele origin: germline.
Comment: The c.91del variant in PCCB is a frameshift variant predicted to shift the reading frame beginning at codon 31 and leads to a stop codon 34 codons downstream. This variant is expected to result in nonsense mediated decay, truncation, or a dysfunctional protein product. This variant is rare in the general population with a frequency below the threshold expected for the associated phenotype(s). Given the available evidence, this variant is classified as Likely Pathogenic.

NM_000532.5(PCCB):c.91del (p.Gln31fs)

Gene: PCCB (propionyl-CoA carboxylase subunit beta; plus strand). Cytogenetic location: 3q22.3.
Variant type: Deletion.
Coding change: c.91del on transcript NM_000532.5 (MANE Select); coding-DNA position 91, one base deleted (C; older notation c.91delC).
Protein change: p.Gln31fs; shifts the reading frame from glutamine 31.
Molecular consequence: frameshift variant.
Genome position (GRCh38, 1-based): chr3:136,250,466, C deleted; the last of 2 consecutive C bases (chr3:136,250,465-136,250,466); deleting either gives the same sequence. VCF-style (leftmost placement, unchanged base first): chr3-136250464-GC-G. GRCh37 (hg19) VCF-style: chr3-135969306-GC-G.
Other names: c.91del, p.Gln31fs (NM_001178014.2); short protein forms Q31fs.
Identifiers: ClinVar variation 4814333 (VCV004814333.1).